The following is an entry in ClinVar:

NM_004629.2(FANCG):c.1838G>C (p.Arg613Pro)

Gene: FANCG (FA complementation group G; minus strand). Cytogenetic location: 9p13.3.
Variant type: single nucleotide variant.
Coding change: c.1838G>C on transcript NM_004629.2 (MANE Select); coding-DNA position 1838, G replaced by C.
Protein change: p.Arg613Pro; replaces arginine 613 with proline.
Molecular consequence: missense variant.
Genome position (GRCh38, 1-based): chr9:35,074,139, C>G on the plus strand (G>C on the coding strand, the complement: FANCG is on the minus strand). VCF-style: chr9-35074139-C-G. GRCh37 (hg19) VCF-style: chr9-35074136-C-G.
Other names: short protein forms R613P.
Identifiers: ClinVar variation 3848411 (VCV003848411.1).

ClinVar aggregate classification (germline): Uncertain significance (1 of 4 stars; one submission).

Conditions:
Inborn genetic diseases. Identifiers: MedGen C0950123, MeSH D030342.

Submission:

Ambry Genetics
Classification: Uncertain significance for Inborn genetic diseases. Last evaluated: 2025-01-18. Review status: criteria provided, single submitter. Criteria: Ambry Variant Classification Scheme 2023. Collection method: clinical testing. Allele origin: germline.
Comment: The p.R613P variant (also known as c.1838G>C), located in coding exon 14 of the FANCG gene, results from a G to C substitution at nucleotide position 1838. The arginine at codon 613 is replaced by proline, an amino acid with dissimilar properties. This amino acid position is conserved. In addition, this alteration is predicted to be tolerated by in silico analysis. Based on the available evidence, the clinical significance of this variant remains unclear.